The following is an entry in ClinVar:

NM_018297.4(NGLY1):c.1263G>T (p.Arg421Ser)

Gene: NGLY1 (N-glycanase 1; minus strand). Cytogenetic location: 3p24.2.
Variant type: single nucleotide variant.
Coding change: c.1263G>T on transcript NM_018297.4 (MANE Select); coding-DNA position 1263, G replaced by T.
Protein change: p.Arg421Ser; replaces arginine 421 with serine.
Molecular consequence: missense variant.
Genome position (GRCh38, 1-based): chr3:25,732,481, C>A on the plus strand (G>T on the coding strand, the complement: NGLY1 is on the minus strand). VCF-style: chr3-25732481-C-A. GRCh37 (hg19) VCF-style: chr3-25773972-C-A.
Other names: c.1209G>T, p.Arg403Ser (NM_001145293.2); c.1137G>T, p.Arg379Ser (NM_001145294.2); c.1263G>T, p.Arg421Ser (NM_001145295.2); short protein forms R403S, R421S, R379S.
Identifiers: ClinVar variation 1437119 (VCV001437119.8), dbSNP rs1575614950, ClinGen allele CA351899353.

ClinVar aggregate classification (germline): Uncertain significance (1 of 4 stars; one submission).

Conditions:
Congenital disorder of deglycosylation (CDDG). Identifiers: MedGen C3808991, MONDO:0031376.

Submission:

Labcorp Genetics (formerly Invitae), Labcorp
Classification: Uncertain significance for Congenital disorder of deglycosylation. Last evaluated: 2022-06-27. Review status: criteria provided, single submitter. Criteria: Invitae Variant Classification Sherloc (09022015). Collection method: clinical testing. Allele origin: germline.
Comment: In summary, the available evidence is currently insufficient to determine the role of this variant in disease. Therefore, it has been classified as a Variant of Uncertain Significance. Algorithms developed to predict the effect of missense changes on protein structure and function are either unavailable or do not agree on the potential impact of this missense change (SIFT: "Deleterious"; PolyPhen-2: "Benign"; Align-GVGD: "Class C0"). This variant has not been reported in the literature in individuals affected with NGLY1-related conditions. This variant is not present in population databases (gnomAD no frequency). This sequence change replaces arginine, which is basic and polar, with serine, which is neutral and polar, at codon 421 of the NGLY1 protein (p.Arg421Ser).